The following is an entry in ClinVar:

ClinVar aggregate classification (germline): Conflicting classifications of pathogenicity. Review status: criteria provided, conflicting classifications (1 of 4 stars). 10 submissions from 10 submitters: Uncertain significance (3); Benign (2); Likely benign (5). Last evaluated 2026-07-01.

Conditions:
POLG-related disorder. Also called: POLG-related condition; POLG-Related Disorders; POLG-Related Spectrum Disorders. Identifiers: MedGen C4763519.
Inborn genetic diseases. Identifiers: MedGen C0950123, MeSH D030342.
Hereditary spastic paraplegia. Also called: Familial spastic paraparesis. Identifiers: Orphanet 685, MedGen C0037773, MONDO:0019064. Disease mechanism: loss of function.
Progressive sclerosing poliodystrophy (MTDPS4A). Also called: Alpers-Huttenlocher Syndrome (AHS); NEURONAL DEGENERATION OF CHILDHOOD WITH LIVER DISEASE, PROGRESSIVE; ALPERS PROGRESSIVE INFANTILE POLIODYSTROPHY; Alpers Syndrome; Alpers-Huttenlocher Syndrome; ALPERS DIFFUSE DEGENERATION OF CEREBRAL GRAY MATTER WITH HEPATIC CIRRHOSIS. Identifiers: Orphanet 726, MedGen C0205710, MONDO:0008758, OMIM 203700.

Allele frequency attached by ClinVar (database versions not stated): gnomAD 0.00017; TOPMed 0.00020; ESP Exome Variant Server 0.00023; gnomAD exomes 0.00029; ExAC 0.00039.
gnomAD v4.1: 435 of 1,614,050 alleles (0.027%); highest among the groups gnomAD compares: Middle Eastern, 1.3%; 3 homozygotes.

Submissions (10):

CeGaT Center for Human Genetics Tuebingen
Classification: Likely benign. Last evaluated: 2026-07-01. Review status: criteria provided, single submitter. Criteria: CeGaT Center For Human Genetics Tuebingen Variant Classification Criteria Version 2. Collection method: clinical testing. Allele origin: germline. Affected: yes. Observed: 13 variant alleles.
Comment: POLG: BP4, BP7

Labcorp Genetics (formerly Invitae), Labcorp
Classification: Likely benign for Progressive sclerosing poliodystrophy. Last evaluated: 2026-02-01. Review status: criteria provided, single submitter. Criteria: Invitae Variant Classification Sherloc (09022015). Collection method: clinical testing. Allele origin: germline.

Blueprint Genetics
Classification: Likely benign. Last evaluated: 2024-11-13. Review status: criteria provided, single submitter. Criteria: ACMG Guidelines, 2015. Collection method: clinical testing. Allele origin: germline.

Athena Diagnostics
Classification: Likely benign. Last evaluated: 2019-06-30. Review status: criteria provided, single submitter. Criteria: Athena Diagnostics Criteria. Collection method: clinical testing. Allele origin: germline.

Wong Mito Lab, Molecular and Human Genetics, Baylor College of Medicine
Classification: Benign for Progressive sclerosing poliodystrophy. Last evaluated: 2018-10-01. Review status: criteria provided, single submitter. Criteria: ACMG Guidelines, 2015. Collection method: clinical testing. Allele origin: germline.
Comment: The NM_002693.2:c.2028G>A (NP_002684.1:p.Ala676=) [GRCH38: NC_000015.10:g.89324149C>T] variant in POLG gene is interpretated to be a Benign based on ACMG guidelines (PMID: 25741868). This variant meets the following evidence codes reported in the ACMG-guideline. BS1:The minor allele frequency of this allele is high for Mitochondrial DNA depletion syndrome 4A (Alpers type). BS2:Observation of the variant in controls is inconsistent with penetrance of Mitochondrial DNA depletion syndrome 4A (Alpers type). BP4:Computational evidence/predictors indicate no impact on the POLG structure, function, or protein-protein interaction. Based on the evidence criteria codes applied, the variant is suggested to be Benign.

Genome Diagnostics Laboratory, The Hospital for Sick Children
Classification: Uncertain significance for Hereditary spastic paraplegia. Last evaluated: 2018-02-01. Review status: criteria provided, single submitter. Criteria: ACMG Guidelines, 2015. Collection method: clinical testing. Allele origin: germline. Affected: yes.

Illumina Laboratory Services, Illumina
Classification: Uncertain significance for POLG-Related Spectrum Disorders. Last evaluated: 2018-01-13. Review status: criteria provided, single submitter. Criteria: ICSL Variant Classification Criteria 13 December 2019. Collection method: clinical testing. Allele origin: germline.

Ambry Genetics
Classification: Likely benign for Inborn genetic diseases. Last evaluated: 2017-12-18. Review status: criteria provided, single submitter. Criteria: Ambry Variant Classification Scheme 2023. Collection method: clinical testing. Allele origin: germline.

Eurofins Ntd Llc (ga)
Classification: Uncertain significance. Last evaluated: 2017-08-01. Review status: criteria provided, single submitter. Criteria: EGL Classification Definitions 2015. Collection method: clinical testing. Allele origin: germline. Observed: 7 variant alleles, 7 heterozygotes.

GeneDx
Classification: Benign. Last evaluated: 2013-04-04. Review status: criteria provided, single submitter. Criteria: GeneDx Variant Classification (06012015). Collection method: clinical testing. Allele origin: germline. Affected: yes.
Comment: This variant is considered likely benign or benign based on one or more of the following criteria: it is a conservative change, it occurs at a poorly conserved position in the protein, it is predicted to be benign by multiple in silico algorithms, and/or has population frequency not consistent with disease.

Literature cited by the submitters: PubMed 25660390 (cited by Athena Diagnostics).

NM_002693.3(POLG):c.2028G>A (p.Ala676=)

Gene: POLG (DNA polymerase gamma, catalytic subunit; minus strand). Cytogenetic location: 15q26.1.
Variant type: single nucleotide variant.
Coding change: c.2028G>A on transcript NM_002693.3 (MANE Select); coding-DNA position 2028, G replaced by A.
Protein change: p.Ala676=; no amino-acid change (alanine 676 retained).
Molecular consequence: synonymous variant.
Genome position (GRCh38, 1-based): chr15:89,324,149, C>T on the plus strand (G>A on the coding strand, the complement: POLG is on the minus strand). VCF-style: chr15-89324149-C-T. GRCh37 (hg19) VCF-style: chr15-89867380-C-T.
Other names: p.A676A:GCG>GCA; c.2028G>A, p.Ala676= (NM_001126131.2).
Identifiers: ClinVar variation 138743 (VCV000138743.67), dbSNP rs373550219, ClinGen allele CA292825.